The following is an entry in ClinVar:

ClinVar aggregate classification (germline): Uncertain significance (1 of 4 stars; one submission).

Conditions:
Tuberous sclerosis 1 (TSC1). Identifiers: Orphanet 805, MedGen C1854465, MONDO:0008612, OMIM 191100.

Submission:

Labcorp Genetics (formerly Invitae), Labcorp
Classification: Uncertain significance for Tuberous sclerosis 1. Last evaluated: 2025-08-20. Review status: criteria provided, single submitter. Criteria: Invitae Variant Classification Sherloc (09022015). Collection method: clinical testing. Allele origin: germline.
Comment: This sequence change replaces serine, which is neutral and polar, with glycine, which is neutral and non-polar, at codon 183 of the TSC1 protein (p.Ser183Gly). This variant is not present in population databases (gnomAD no frequency). This variant has not been reported in the literature in individuals affected with TSC1-related conditions. Invitae Evidence Modeling of protein sequence and biophysical properties (such as structural, functional, and spatial information, amino acid conservation, physicochemical variation, residue mobility, and thermodynamic stability) indicates that this missense variant is not expected to disrupt TSC1 protein function with a negative predictive value of 95%. In summary, the available evidence is currently insufficient to determine the role of this variant in disease. Therefore, it has been classified as a Variant of Uncertain Significance.

NM_000368.5(TSC1):c.547A>G (p.Ser183Gly)

Gene: TSC1 (TSC complex subunit 1; minus strand). Cytogenetic location: 9q34.13.
Variant type: single nucleotide variant.
Coding change: c.547A>G on transcript NM_000368.5 (MANE Select); coding-DNA position 547, A replaced by G.
Protein change: p.Ser183Gly; replaces serine 183 with glycine.
Molecular consequence: missense variant. On other transcripts: non-coding transcript variant (5), 5 prime UTR variant (5).
Genome position (GRCh38, 1-based): chr9:132,921,935, T>C on the plus strand (A>G on the coding strand, the complement: TSC1 is on the minus strand). VCF-style: chr9-132921935-T-C. GRCh37 (hg19) VCF-style: chr9-135797322-T-C.
Other names: c.547A>G, p.Ser183Gly (NM_001162426.2, NM_001406592.1, NM_001406593.1 and 16 more transcripts); c.394A>G, p.Ser132Gly (NM_001162427.2, NM_001406612.1, NM_001406613.1 and 2 more transcripts); c.184A>G, p.Ser62Gly (NM_001362177.2, NM_001406614.1, NM_001406617.1 and 10 more transcripts); c.-331A>G (NM_001406626.1, NM_001406627.1, NM_001406628.1); c.-473A>G (NM_001406629.1); c.-547A>G (NM_001406630.1); short protein forms S132G, S183G, S62G.
Identifiers: ClinVar variation 4709646 (VCV004709646.1).